The following is an entry in ClinVar:

NM_003718.5(CDK13):c.3073C>T (p.Arg1025Ter)

Gene: CDK13 (cyclin dependent kinase 13; plus strand). Cytogenetic location: 7p14.1.
Variant type: single nucleotide variant.
Coding change: c.3073C>T on transcript NM_003718.5 (MANE Select); coding-DNA position 3073, C replaced by T.
Protein change: p.Arg1025Ter; replaces arginine 1025 with a stop codon.
Molecular consequence: nonsense.
Genome position (GRCh38, 1-based): chr7:40,088,169, C>T. VCF-style: chr7-40088169-C-T. GRCh37 (hg19) VCF-style: chr7-40127768-C-T.
Other names: c.3073C>T, p.Arg1025Ter (NM_031267.4); short protein forms R1025*.
Identifiers: ClinVar variation 620271 (VCV000620271.14), dbSNP rs1562767666, ClinGen allele CA367293144.

ClinVar aggregate classification (germline): Pathogenic/Likely pathogenic. Review status: criteria provided, multiple submitters, no conflicts (2 of 4 stars). 3 submissions from 3 submitters: Pathogenic (1); Likely pathogenic (2). Last evaluated 2025-10-29.

Conditions:
Congenital heart defects, dysmorphic facial features, and intellectual developmental disorder (CHDFIDD). Identifiers: Orphanet 646278, MedGen C4479246, MONDO:0044302, OMIM 617360.

Submissions (3):

GeneDx
Classification: Likely pathogenic. Last evaluated: 2025-10-29. Review status: criteria provided, single submitter. Criteria: GeneDx Variant Classification Process June 2021. Collection method: clinical testing. Allele origin: germline. Affected: yes.
Comment: Nonsense variant predicted to result in protein truncation or nonsense mediated decay in a gene or region of a gene for which loss of function is not a well-established mechanism of disease; Not observed at significant frequency in large population cohorts (gnomAD); This variant is associated with the following publications: (PMID: 35982159, 30904094, 29393965, 33057194)

Labcorp Genetics (formerly Invitae), Labcorp
Classification: Pathogenic. Last evaluated: 2021-05-06. Review status: criteria provided, single submitter. Criteria: Invitae Variant Classification Sherloc (09022015). Collection method: clinical testing. Allele origin: germline.
Comment: This sequence change creates a premature translational stop signal (p.Arg1025*) in the CDK13 gene. It is expected to result in an absent or disrupted protein product. Loss-of-function variants in CDK13 are known to be pathogenic (PMID: 27479907, 29021403, 29393965). This variant is not present in population databases (ExAC no frequency). This variant has been observed in individual(s) with CDK13-related conditions (PMID: 29393965). In at least one individual the variant was observed to be de novo. ClinVar contains an entry for this variant (Variation ID: 620271). For these reasons, this variant has been classified as Pathogenic.

Juno Genomics, Hangzhou Juno Genomics, Inc
Classification: Likely pathogenic for Congenital heart defects, dysmorphic facial features, and intellectual developmental disorder. Review status: criteria provided, single submitter. Criteria: ACMG Guidelines, 2015. Collection method: clinical testing. Allele origin: germline.
Comment: Absent from controls (or at extremely low frequency if recessive) in Genome Aggregation Database.;Null variant in a gene where loss of function (LOF) is a known mechanism of disease.;The prevalence of the variant in affected individuals is significantly increased compared to the prevalence in controls.;Assumed de novo, but without confirmation of paternity and maternity.

Literature cited by the submitters: PubMed 27479907 (cited by Labcorp Genetics (formerly Invitae), Labcorp); PubMed 29021403 (cited by Labcorp Genetics (formerly Invitae), Labcorp); PubMed 29393965 (cited by Labcorp Genetics (formerly Invitae), Labcorp).